The following is an entry in ClinVar:

ClinVar aggregate classification (germline): Likely benign (1 of 4 stars; one submission).

Conditions:
Familial colorectal cancer type X. Identifiers: Orphanet 440437, MedGen C3896578, MONDO:0018604.

Submission:

Myriad Genetics, Inc.
Classification: Likely benign for Familial colorectal cancer type X. Last evaluated: 2026-07-31. Review status: criteria provided, single submitter. Criteria: Myriad Autosomal Dominant, Autosomal Recessive and X-Linked Classification Criteria (2023). Collection method: clinical testing. Allele origin: unknown.
Comment: This variant is considered likely benign. This variant is intronic and is not expected to impact mRNA splicing.

NM_001023.4(RPS20):c.177+6del

Gene: RPS20 (ribosomal protein S20; minus strand). Cytogenetic location: 8q12.1.
Variant type: Deletion.
Coding change: c.177+6del on transcript NM_001023.4 (MANE Select); 6 bases into the intron after coding-DNA position 177, one base deleted (G; older notation c.177+6delG).
Molecular consequence: intron variant.
Genome position (GRCh38, 1-based): chr8:56,073,689, C deleted on the plus strand (G on the coding strand, the reverse complement: RPS20 is on the minus strand). VCF-style (leftmost placement, unchanged base first): chr8-56073688-AC-A. GRCh37 (hg19) VCF-style: chr8-56986247-AC-A.
Other names: c.177+6del (NM_001146227.3).
Identifiers: ClinVar variation 5042454 (VCV005042454.1).
Genomic context (GRCh38, chr8:56,073,688, plus strand): 5'-TAAAGAACCTGAATTTATGCAACATCCGGAAGCAACTCCTACTTCCTGCCCCTCCGATTT[AC>A]TTTACCTTGGTAGGCATTCGAACTGGTCCTTTCACTTTGAGATTCTTTTCTTTTGCGCCT-3'